The following is an entry in ClinVar:

ClinVar aggregate classification (germline): Benign. Review status: criteria provided, multiple submitters, no conflicts (2 of 4 stars). 3 submissions from 3 submitters: Benign (3). Last evaluated 2021-07-14.

Conditions:
Autosomal recessive ataxia due to ubiquinone deficiency. Also called: SPINOCEREBELLAR ATAXIA, AUTOSOMAL RECESSIVE 9; Coenzyme Q10 deficiency, primary, 4. Identifiers: Orphanet 139485, MedGen C2677589, MONDO:0012784, OMIM 612016.

Allele frequency attached by ClinVar (database versions not stated): 1000 Genomes Project 0.86522; 1000 Genomes Project 30x 0.86571; TOPMed 0.88731; gnomAD 0.89177 and 0.89455.
gnomAD v4.1: 135,538 of 151,980 alleles (89%); highest among the groups gnomAD compares: Non-Finnish European, 90%; 60,487 homozygotes.

Submissions (3):

Genome-Nilou Lab
Classification: Benign for Autosomal recessive ataxia due to ubiquinone deficiency. Last evaluated: 2021-07-14. Review status: criteria provided, single submitter. Criteria: ACMG Guidelines, 2015. Collection method: clinical testing. Allele origin: germline. Affected: no.

GeneDx
Classification: Benign. Last evaluated: 2018-06-14. Review status: criteria provided, single submitter. Criteria: GeneDx Variant Classification (06012015). Collection method: clinical testing. Allele origin: germline. Affected: yes.
Comment: This variant is considered likely benign or benign based on one or more of the following criteria: it is a conservative change, it occurs at a poorly conserved position in the protein, it is predicted to be benign by multiple in silico algorithms, and/or has population frequency not consistent with disease.

Breakthrough Genomics
Classification: Benign. Review status: criteria provided, single submitter. Criteria: ACMG Guidelines, 2015. Collection method: not provided. Allele origin: germline. Inheritance: Autosomal recessive inheritance. Affected: yes.

NM_020247.5(COQ8A):c.730+260T>C

Gene: COQ8A (coenzyme Q8A; plus strand). Cytogenetic location: 1q42.13.
Variant type: single nucleotide variant.
Coding change: c.730+260T>C on transcript NM_020247.5 (MANE Select); 260 bases into the intron after coding-DNA position 730, T replaced by C.
Molecular consequence: intron variant.
Genome position (GRCh38, 1-based): chr1:226,977,783, T>C. VCF-style: chr1-226977783-T-C. GRCh37 (hg19) VCF-style: chr1-227165484-T-C.
Identifiers: ClinVar variation 683200 (VCV000683200.5), dbSNP rs1888826, ClinGen allele CA10792115.